The following is an entry in ClinVar:

NM_004273.5(CHST3):c.528G>A (p.Pro176=)

Gene: CHST3 (carbohydrate sulfotransferase 3; plus strand). Cytogenetic location: 10q22.1.
Variant type: single nucleotide variant.
Coding change: c.528G>A on transcript NM_004273.5 (MANE Select); coding-DNA position 528, G replaced by A.
Protein change: p.Pro176=; no amino-acid change (proline 176 retained).
Molecular consequence: synonymous variant.
Genome position (GRCh38, 1-based): chr10:72,007,559, G>A. VCF-style: chr10-72007559-G-A. GRCh37 (hg19) VCF-style: chr10-73767317-G-A.
Identifiers: ClinVar variation 1088427 (VCV001088427.11), dbSNP rs373748456, ClinGen allele CA5548114.
Genomic context (GRCh38, chr10:72,007,559, plus strand): 5'-CAACATCTTCTACCTCTTCGAGCCGCTGTGGCACATCGAGCGCACAGTGTCCTTCGAGCC[G>A]GGGGGCGCCAACGCCGCGGGCTCGGCCCTGGTGTACCGCGACGTGCTCAAGCAGCTCTTC-3'
Protein context (NP_004264.2, residues 166-186): WHIERTVSFE[Pro176=]GGANAAGSAL

ClinVar aggregate classification (germline): Likely benign. Review status: criteria provided, multiple submitters, no conflicts (2 of 4 stars). 2 submissions from 2 submitters: Likely benign (2). Last evaluated 2026-06-01.

Conditions:
Spondyloepiphyseal dysplasia with congenital joint dislocations (SEDCJD). Also called: Chondrodysplasia with Congenital Joint Dislocations, CHST3-Related. Identifiers: Orphanet 263463, MedGen C1837657, MONDO:0007738, OMIM 143095.

Allele frequency attached by ClinVar (database versions not stated): gnomAD exomes 0.00009; ExAC 0.00014; ESP Exome Variant Server 0.00023; gnomAD 0.00034 and 0.00039.
gnomAD v4.1: 101 of 1,606,076 alleles (0.0063%); highest among the groups gnomAD compares: African/African-American, 0.11%; no homozygotes.

Submissions (2):

CeGaT Center for Human Genetics Tuebingen
Classification: Likely benign. Last evaluated: 2026-06-01. Review status: criteria provided, single submitter. Criteria: CeGaT Center For Human Genetics Tuebingen Variant Classification Criteria Version 2. Collection method: clinical testing. Allele origin: germline. Affected: yes. Observed: 1 variant allele.
Comment: CHST3: BP4, BP7

Labcorp Genetics (formerly Invitae), Labcorp
Classification: Likely benign for Spondyloepiphyseal dysplasia with congenital joint dislocations. Last evaluated: 2025-10-04. Review status: criteria provided, single submitter. Criteria: Invitae Variant Classification Sherloc (09022015). Collection method: clinical testing. Allele origin: germline.